The following is an entry in ClinVar:

ClinVar aggregate classification (germline): Uncertain significance (1 of 4 stars; one submission).

Submission:

GeneDx
Classification: Uncertain significance. Last evaluated: 2024-12-30. Review status: criteria provided, single submitter. Criteria: GeneDx Variant Classification Process June 2021. Collection method: clinical testing. Allele origin: germline. Affected: yes.
Comment: Not observed at significant frequency in large population cohorts (gnomAD); In silico analysis indicates that this missense variant does not alter protein structure/function; Has not been previously published as pathogenic or benign to our knowledge

NM_001042681.2(RERE):c.826A>G (p.Thr276Ala)

Gene: RERE (arginine-glutamic acid dipeptide repeats; minus strand). Cytogenetic location: 1p36.23.
Variant type: single nucleotide variant.
Coding change: c.826A>G on transcript NM_001042681.2 (MANE Select); coding-DNA position 826, A replaced by G.
Protein change: p.Thr276Ala; replaces threonine 276 with alanine.
Molecular consequence: missense variant.
Genome position (GRCh38, 1-based): chr1:8,541,218, T>C on the plus strand (A>G on the coding strand, the complement: RERE is on the minus strand). VCF-style: chr1-8541218-T-C. GRCh37 (hg19) VCF-style: chr1-8601277-T-C.
Other names: c.826A>G, p.Thr276Ala (NM_012102.4); short protein forms T276A.
Identifiers: ClinVar variation 3907878 (VCV003907878.1).